The following is an entry in ClinVar:

ClinVar aggregate classification (germline): Uncertain significance (1 of 4 stars; one submission).

Allele frequency attached by ClinVar (database versions not stated): gnomAD 0.00003.

Submission:

Labcorp Genetics (formerly Invitae), Labcorp
Classification: Uncertain significance. Last evaluated: 2022-02-24. Review status: criteria provided, single submitter. Criteria: Invitae Variant Classification Sherloc (09022015). Collection method: clinical testing. Allele origin: germline.
Comment: In summary, the available evidence is currently insufficient to determine the role of this variant in disease. Therefore, it has been classified as a Variant of Uncertain Significance. Experimental studies and prediction algorithms are not available or were not evaluated, and the functional significance of this variant is currently unknown. This variant has not been reported in the literature in individuals affected with SHPK-related conditions. The frequency data for this variant in the population databases is considered unreliable, as metrics indicate poor data quality at this position in the gnomAD database. This sequence change creates a premature translational stop signal (p.Arg404*) in the SHPK gene. While this is not anticipated to result in nonsense mediated decay, it is expected to disrupt the last 75 amino acid(s) of the SHPK protein.

NM_013276.4(SHPK):c.1210C>T (p.Arg404Ter)

Gene: SHPK (sedoheptulokinase; minus strand). Cytogenetic location: 17p13.2.
Variant type: single nucleotide variant.
Coding change: c.1210C>T on transcript NM_013276.4 (MANE Select); coding-DNA position 1210, C replaced by T.
Protein change: p.Arg404Ter; replaces arginine 404 with a stop codon.
Molecular consequence: nonsense.
Genome position (GRCh38, 1-based): chr17:3,610,787, G>A on the plus strand (C>T on the coding strand, the complement: SHPK is on the minus strand). VCF-style: chr17-3610787-G-A. GRCh37 (hg19) VCF-style: chr17-3514081-G-A.
Other names: short protein forms R404*.
Identifiers: ClinVar variation 1931542 (VCV001931542.5), dbSNP rs758707561, ClinGen allele CA397698307.